The following is an entry in ClinVar:

ClinVar aggregate classification (germline): Uncertain significance (1 of 4 stars; one submission).

Conditions:
DICER1-related tumor predisposition. Also called: DICER1-related pleuropulmonary blastoma cancer predisposition syndrome; DICER1 syndrome. Identifiers: Orphanet 284343, MedGen C3839822, MONDO:0100216.

Submission:

Labcorp Genetics (formerly Invitae), Labcorp
Classification: Uncertain significance for DICER1-related tumor predisposition. Last evaluated: 2020-12-09. Review status: criteria provided, single submitter. Criteria: Invitae Variant Classification Sherloc (09022015). Collection method: clinical testing. Allele origin: germline.
Comment: This sequence change replaces glutamine with arginine at codon 812 of the DICER1 protein (p.Gln812Arg). The glutamine residue is moderately conserved and there is a small physicochemical difference between glutamine and arginine. This variant is not present in population databases (ExAC no frequency). In summary, the available evidence is currently insufficient to determine the role of this variant in disease. Therefore, it has been classified as a Variant of Uncertain Significance. Algorithms developed to predict the effect of sequence changes on RNA splicing suggest that this variant may disrupt the consensus splice site, but this prediction has not been confirmed by published transcriptional studies. Algorithms developed to predict the effect of missense changes on protein structure and function (SIFT, PolyPhen-2, Align-GVGD) all suggest that this variant is likely to be tolerated, but these predictions have not been confirmed by published functional studies and their clinical significance is uncertain. This variant has not been reported in the literature in individuals with DICER1-related disease. ClinVar contains an entry for this variant (Variation ID: 477103).

NM_177438.3(DICER1):c.2435A>G (p.Gln812Arg)

Gene: DICER1 (dicer 1, ribonuclease III; minus strand). Cytogenetic location: 14q32.13.
Variant type: single nucleotide variant.
Coding change: c.2435A>G on transcript NM_177438.3 (MANE Select); coding-DNA position 2435, A replaced by G.
Protein change: p.Gln812Arg; replaces glutamine 812 with arginine.
Molecular consequence: missense variant.
Genome position (GRCh38, 1-based): chr14:95,108,325, T>C on the plus strand (A>G on the coding strand, the complement: DICER1 is on the minus strand). VCF-style: chr14-95108325-T-C. GRCh37 (hg19) VCF-style: chr14-95574662-T-C.
Other names: c.2435A>G, p.Gln812Arg (NM_001195573.1, NM_001271282.3, NM_001291628.2 and 1 more transcripts); short protein forms Q812R.
Identifiers: ClinVar variation 477103 (VCV000477103.10), dbSNP rs750049051, ClinGen allele CA390882049.
Genomic context (GRCh38, chr14:95,108,325, plus strand): 5'-TTTTTTCCTTTTCCTAAGCAAGACGTTTTTGACATAAGTACTCATTATGAAATACCTACC[T>C]GAGGTATGGGTTTGGCCGTCAGTATTCCAAAGCATCTTGTGGTATCTTCAGGAGGATAGA-3'
Protein context (NP_803187.1, residues 802-822): FGILTAKPIP[Gln812Arg]IPHFPVYTRS